The following is an entry in ClinVar:

NM_000548.5(TSC2):c.3159G>A (p.Ala1053=)

Gene: TSC2 (TSC complex subunit 2; plus strand). Cytogenetic location: 16p13.3.
Variant type: single nucleotide variant.
Coding change: c.3159G>A on transcript NM_000548.5 (MANE Select); coding-DNA position 3159, G replaced by A.
Protein change: p.Ala1053=; no amino-acid change (alanine 1053 retained).
Molecular consequence: synonymous variant.
Genome position (GRCh38, 1-based): chr16:2,079,303, G>A. VCF-style: chr16-2079303-G-A. GRCh37 (hg19) VCF-style: chr16-2129304-G-A.
Other names: c.3027G>A, p.Ala1009= (NM_001077183.3, NM_001370404.1); c.3159G>A, p.Ala1053= (NM_001114382.3); c.2919G>A, p.Ala973= (NM_001318827.2); c.2883G>A, p.Ala961= (NM_001318829.2); c.2427G>A, p.Ala809= (NM_001318831.2); c.3060G>A, p.Ala1020= (NM_001318832.2); c.3030G>A, p.Ala1010= (NM_001363528.2, NM_001370405.1, NM_021055.3).
Identifiers: ClinVar variation 467993 (VCV000467993.25), dbSNP rs765689518, ClinGen allele CA044620.

ClinVar aggregate classification (germline): Benign/Likely benign. Review status: criteria provided, multiple submitters, no conflicts (2 of 4 stars). 7 submissions from 7 submitters: Benign (3); Likely benign (4). Last evaluated 2026-01-01.

Conditions:
Tuberous sclerosis syndrome (TSC). Also called: Tuberous Sclerosis Complex; Tuberous sclerosis. Identifiers: Orphanet 805, MedGen C0041341, MONDO:0001734.
Tuberous sclerosis 2 (TSC2). Identifiers: Orphanet 805, MedGen C1860707, MONDO:0013199, OMIM 613254.
Hereditary cancer-predisposing syndrome. Also called: Hereditary neoplastic syndrome; Tumor predisposition; Neoplastic Syndromes, Hereditary; Hereditary Cancer Syndrome. Identifiers: Orphanet 140162, MedGen C0027672, MeSH D009386, MONDO:0015356.

Allele frequency attached by ClinVar (database versions not stated): gnomAD exomes below 0.00001 and 0.00002; ExAC 0.00001; TOPMed 0.00001; gnomAD 0.00003.
gnomAD v4.1: 39 of 1,612,906 alleles (0.0024%); highest among the groups gnomAD compares: Non-Finnish European, 0.0031%; no homozygotes.

Submissions (7):

CeGaT Center for Human Genetics Tuebingen
Classification: Likely benign. Last evaluated: 2026-01-01. Review status: criteria provided, single submitter. Criteria: CeGaT Center For Human Genetics Tuebingen Variant Classification Criteria Version 2. Collection method: clinical testing. Allele origin: germline. Affected: yes. Observed: 1 variant allele.
Comment: TSC2: BP4, BP7

Labcorp Genetics (formerly Invitae), Labcorp
Classification: Benign for Tuberous sclerosis 2. Last evaluated: 2025-12-17. Review status: criteria provided, single submitter. Criteria: Invitae Variant Classification Sherloc (09022015). Collection method: clinical testing. Allele origin: germline.

Myriad Genetics, Inc.
Classification: Benign for Tuberous sclerosis 2. Last evaluated: 2025-05-28. Review status: criteria provided, single submitter. Criteria: Myriad Autosomal Dominant, Autosomal Recessive and X-Linked Classification Criteria (2023). Collection method: clinical testing. Allele origin: unknown.
Comment: This variant is considered benign. This variant is a silent/synonymous amino acid change and it is not expected to impact splicing.

All of Us Research Program, National Institutes of Health
Classification: Likely benign for Tuberous sclerosis syndrome. Last evaluated: 2023-12-18. Review status: criteria provided, single submitter. Criteria: ACMG Guidelines, 2015. Collection method: clinical testing. Allele origin: germline. Inheritance: Autosomal dominant inheritance. Observed: 3 variant alleles, 3 heterozygotes.
Comment: This study involves interpretation of variants in research participants for the purpose of population health screening. Participant phenotype was not available at the time of variant classification. Additional details can be found in publication PMID: 35346344, PMCID: PMC8962531

Color Diagnostics, LLC DBA Color Health
Classification: Likely benign for Tuberous sclerosis syndrome. Last evaluated: 2022-09-29. Review status: criteria provided, single submitter. Criteria: ACMG Guidelines, 2015. Collection method: clinical testing. Allele origin: germline.

Genome-Nilou Lab
Classification: Benign for Tuberous sclerosis 2. Last evaluated: 2021-11-07. Review status: criteria provided, single submitter. Criteria: ACMG Guidelines, 2015. Collection method: clinical testing. Allele origin: germline. Affected: no.

Ambry Genetics
Classification: Likely benign for Hereditary cancer-predisposing syndrome. Last evaluated: 2018-02-07. Review status: criteria provided, single submitter. Criteria: Ambry Variant Classification Scheme 2023. Collection method: clinical testing. Allele origin: germline.